The following is an entry in ClinVar:

ClinVar aggregate classification (germline): Conflicting classifications of pathogenicity. Review status: criteria provided, conflicting classifications (1 of 4 stars). 6 submissions from 5 submitters: Uncertain significance (3); Likely benign (2). 1 of the submissions does not count toward it. Last evaluated 2026-02-04.

Conditions:
CNGB3-related disorder. Also called: CNGB3-related condition; CNGB3-related disorders. Identifiers: MedGen CN239340.
Severe early-childhood-onset retinal dystrophy (STGD1). Also called: STGD; Stargardt macular dystrophy; Juvenile onset macular degeneration; Stargardt disease 1; MACULAR DYSTROPHY WITH FLECKS, TYPE 1. Identifiers: Orphanet 364055, Orphanet 827, MedGen C1855465, MeSH D000080362, MONDO:0009549, OMIM 248200.
Achromatopsia. Also called: Rod monochromatism. Identifiers: Orphanet 49382, MedGen C0152200, MONDO:0018852, HP:0011516.
Achromatopsia 3 (ACHM3). Also called: PINGELAPESE BLINDNESS; TOTAL COLORBLINDNESS WITH MYOPIA; ROD MONOCHROMACY 1; ROD MONOCHROMATISM 1; ACHROMATOPSIA WITH MYOPIA. Identifiers: Orphanet 49382, MedGen C1849792, MONDO:0009875, OMIM 262300.

Allele frequency attached by ClinVar (database versions not stated): gnomAD 0.00006 and 0.00007; gnomAD exomes 0.00007 and 0.00019; ExAC 0.00020; TOPMed 0.00011; 1000 Genomes Project 30x 0.00047; 1000 Genomes Project 0.00040.
gnomAD v4.1: 116 of 1,613,774 alleles (0.0072%); highest among the groups gnomAD compares: East Asian, 0.22%; no homozygotes.

Submissions (6):

Labcorp Genetics (formerly Invitae), Labcorp
Classification: Likely benign. Last evaluated: 2026-02-04. Review status: criteria provided, single submitter. Criteria: Invitae Variant Classification Sherloc (09022015). Collection method: clinical testing. Allele origin: germline.

PreventionGenetics, part of Exact Sciences
Classification: Likely benign for CNGB3-related condition. Last evaluated: 2025-01-02. Review status: criteria provided, single submitter. Criteria: ACMG Guidelines, 2015. Collection method: clinical testing. Allele origin: germline.
Comment: This variant is classified as likely benign based on ACMG/AMP sequence variant interpretation guidelines (Richards et al. 2015 PMID: 25741868, with internal and published modifications).

Blueprint Genetics
Classification: Uncertain significance. Last evaluated: 2023-11-07. Review status: criteria provided, single submitter. Criteria: ACMG Guidelines, 2015. Collection method: clinical testing. Allele origin: germline.

Illumina Laboratory Services, Illumina
Classification: Uncertain significance for Achromatopsia 3. Last evaluated: 2018-01-13. Review status: criteria provided, single submitter. Criteria: ICSL Variant Classification Criteria 13 December 2019. Collection method: clinical testing. Allele origin: germline.

Illumina Laboratory Services, Illumina
Classification: Uncertain significance for Severe early-childhood-onset retinal dystrophy. Last evaluated: 2018-01-13. Review status: criteria provided, single submitter. Criteria: ICSL Variant Classification Criteria 13 December 2019. Collection method: clinical testing. Allele origin: germline.

Natera, Inc.
Classification: Uncertain significance for Achromatopsia. Last evaluated: 2019-10-28. Review status: no assertion criteria provided. Collection method: clinical testing. Allele origin: germline. Not counted in ClinVar's aggregate classification.

NM_019098.5(CNGB3):c.1531G>A (p.Ala511Thr)

Gene: CNGB3 (cyclic nucleotide gated channel subunit beta 3; minus strand). Cytogenetic location: 8q21.3.
Variant type: single nucleotide variant.
Coding change: c.1531G>A on transcript NM_019098.5 (MANE Select); coding-DNA position 1531, G replaced by A.
Protein change: p.Ala511Thr; replaces alanine 511 with threonine.
Molecular consequence: missense variant.
Genome position (GRCh38, 1-based): chr8:86,626,030, C>T on the plus strand (G>A on the coding strand, the complement: CNGB3 is on the minus strand). VCF-style: chr8-86626030-C-T. GRCh37 (hg19) VCF-style: chr8-87638258-C-T.
Other names: short protein forms A511T.
Identifiers: ClinVar variation 363872 (VCV000363872.18), dbSNP rs150642676, ClinGen allele CA4799987.